The following is an entry in ClinVar:

ClinVar aggregate classification (germline): Uncertain significance. Review status: criteria provided, multiple submitters, no conflicts (2 of 4 stars). 2 submissions from 2 submitters: Uncertain significance (2). Last evaluated 2024-02-02.

Conditions:
Renal cell carcinoma. Identifiers: Orphanet 217071, MedGen C0007134, MeSH D002292, MONDO:0005086, HP:0005584.
Autosomal recessive nonsyndromic hearing loss 97. Also called: Deafness, autosomal recessive 97. Identifiers: Orphanet 90636, MedGen C4084709, MONDO:0014739, OMIM 616705.

Submissions (2):

Labcorp Genetics (formerly Invitae), Labcorp
Classification: Uncertain significance for Renal cell carcinoma. Last evaluated: 2024-02-02. Review status: criteria provided, single submitter. Criteria: Invitae Variant Classification Sherloc (09022015). Collection method: clinical testing. Allele origin: germline.
Comment: This sequence change replaces serine, which is neutral and polar, with phenylalanine, which is neutral and non-polar, at codon 204 of the MET protein (p.Ser204Phe). This variant is not present in population databases (gnomAD no frequency). This variant has not been reported in the literature in individuals affected with MET-related conditions. Advanced modeling of protein sequence and biophysical properties (such as structural, functional, and spatial information, amino acid conservation, physicochemical variation, residue mobility, and thermodynamic stability) has been performed at Invitae for this missense variant, however the output from this modeling did not meet the statistical confidence thresholds required to predict the impact of this variant on MET protein function. In summary, the available evidence is currently insufficient to determine the role of this variant in disease. Therefore, it has been classified as a Variant of Uncertain Significance.

Baylor Genetics
Classification: Uncertain significance for Autosomal recessive nonsyndromic hearing loss 97. Last evaluated: 2023-09-08. Review status: criteria provided, single submitter. Criteria: ACMG Guidelines, 2015. Collection method: clinical testing. Allele origin: unknown.

NM_000245.4(MET):c.611C>T (p.Ser204Phe)

Gene: MET (MET proto-oncogene, receptor tyrosine kinase; plus strand). Cytogenetic location: 7q31.2.
Variant type: single nucleotide variant.
Coding change: c.611C>T on transcript NM_000245.4 (MANE Select); coding-DNA position 611, C replaced by T.
Protein change: p.Ser204Phe; replaces serine 204 with phenylalanine.
Molecular consequence: missense variant. On other transcripts: intron variant (1).
Genome position (GRCh38, 1-based): chr7:116,699,695, C>T. VCF-style: chr7-116699695-C-T. GRCh37 (hg19) VCF-style: chr7-116339749-C-T.
Other names: c.611C>T, p.Ser204Phe (NM_001127500.3, NM_001324401.3); c.-91+27118C>T (NM_001324402.2); short protein forms S204F.
Identifiers: ClinVar variation 2676518 (VCV002676518.4), dbSNP rs2485511135, ClinGen allele CA368969458.
Genomic context (GRCh38, chr7:116,699,695, plus strand): 5'-TCCTTTCATCTGTAAAGGACCGGTTCATCAACTTCTTTGTAGGCAATACCATAAATTCTT[C>T]TTATTTCCCAGATCATCCATTGCATTCGATATCAGTGAGAAGGCTAAAGGAAACGAAAGA-3'
Protein context (NP_000236.2, residues 194-214): NFFVGNTINS[Ser204Phe]YFPDHPLHSI